The following is an entry in ClinVar:

ClinVar aggregate classification (germline): Uncertain significance (1 of 4 stars; one submission).

gnomAD v4.1: 1 of 1,587,208 alleles (0.000063%); highest among the groups gnomAD compares: Non-Finnish European, 0.000085%; no homozygotes.

Submission:

Ambry Genetics
Classification: Uncertain significance. Last evaluated: 2026-09-05. Review status: criteria provided, single submitter. Criteria: Ambry Variant Classification Scheme 2023. Collection method: clinical testing. Allele origin: germline.
Comment: The p.S440L variant (also known as c.1319C>T), located in coding exon 2 of the CDK12 gene, results from a C to T substitution at nucleotide position 1319. The serine at codon 440 is replaced by leucine, an amino acid with dissimilar properties. This amino acid position is conserved. In addition, this alteration is predicted to be tolerated by in silico analysis. Based on the available evidence, the clinical significance of this variant remains unclear.

NM_016507.4(CDK12):c.1319C>T (p.Ser440Leu)

Gene: CDK12 (cyclin dependent kinase 12; plus strand). Cytogenetic location: 17q12.
Variant type: single nucleotide variant.
Coding change: c.1319C>T on transcript NM_016507.4 (MANE Select); coding-DNA position 1319, C replaced by T.
Protein change: p.Ser440Leu; replaces serine 440 with leucine.
Molecular consequence: missense variant.
Genome position (GRCh38, 1-based): chr17:39,471,151, C>T. VCF-style: chr17-39471151-C-T. GRCh37 (hg19) VCF-style: chr17-37627404-C-T.
Other names: c.1319C>T, p.Ser440Leu (NM_015083.4); short protein forms S440L.
Identifiers: ClinVar variation 5034183 (VCV005034183.1).